The following is an entry in ClinVar:

NM_000548.5(TSC2):c.4515C>G (p.Tyr1505Ter)

Gene: TSC2 (TSC complex subunit 2; plus strand). Cytogenetic location: 16p13.3.
Variant type: single nucleotide variant.
Coding change: c.4515C>G on transcript NM_000548.5 (MANE Select); coding-DNA position 4515, C replaced by G.
Protein change: p.Tyr1505Ter; replaces tyrosine 1505 with a stop codon.
Molecular consequence: nonsense.
Genome position (GRCh38, 1-based): chr16:2,084,972, C>G. VCF-style: chr16-2084972-C-G. GRCh37 (hg19) VCF-style: chr16-2134973-C-G.
Other names: c.4314C>G, p.Tyr1438Ter (NM_001077183.3); c.4446C>G, p.Tyr1482Ter (NM_001114382.3); c.4206C>G, p.Tyr1402Ter (NM_001318827.2); c.4170C>G, p.Tyr1390Ter (NM_001318829.2); c.3783C>G, p.Tyr1261Ter (NM_001318831.2); c.4347C>G, p.Tyr1449Ter (NM_001318832.2); c.4317C>G, p.Tyr1439Ter (NM_001363528.2); c.4383C>G, p.Tyr1461Ter (NM_001370404.1); and 1 more; short protein forms Y1505*, Y1390*, Y1461*, Y1402*, Y1462*, Y1261*, Y1438*, Y1439*.
Identifiers: ClinVar variation 65087 (VCV000065087.6), dbSNP rs45471791, ClinGen allele CA020588.

ClinVar aggregate classification (germline): Pathogenic. Review status: criteria provided, multiple submitters, no conflicts (2 of 4 stars). 3 submissions from 3 submitters: Pathogenic (2). 1 of the submissions does not count toward it. Last evaluated 2024-05-04.

Conditions:
Tuberous sclerosis 2 (TSC2). Identifiers: Orphanet 805, MedGen C1860707, MONDO:0013199, OMIM 613254.
Tuberous sclerosis syndrome (TSC). Also called: Tuberous Sclerosis Complex; Tuberous sclerosis. Identifiers: Orphanet 805, MedGen C0041341, MONDO:0001734.

Submissions (3):

Labcorp Genetics (formerly Invitae), Labcorp
Classification: Pathogenic for Tuberous sclerosis 2. Last evaluated: 2024-05-04. Review status: criteria provided, single submitter. Criteria: Invitae Variant Classification Sherloc (09022015). Collection method: clinical testing. Allele origin: germline.
Comment: This sequence change creates a premature translational stop signal (p.Tyr1505*) in the TSC2 gene. It is expected to result in an absent or disrupted protein product. Loss-of-function variants in TSC2 are known to be pathogenic (PMID: 10205261, 17304050). This variant is not present in population databases (gnomAD no frequency). This premature translational stop signal has been observed in individual(s) with tuberous sclerosis complex (PMID: 33532864). ClinVar contains an entry for this variant (Variation ID: 65087). For these reasons, this variant has been classified as Pathogenic.

Molecular Biology Laboratory, Fundació Puigvert
Classification: Pathogenic for Tuberous sclerosis 2. Last evaluated: 2020-02-01. Review status: criteria provided, single submitter. Criteria: ACMG Guidelines, 2015. Collection method: research. Allele origin: germline. Affected: yes. Study: KidneyPanel_2020.

Tuberous sclerosis database (TSC2)
No classification provided. Condition: TSC. Review status: no classification provided. Criteria: Tuberous Sclerosis Database Assertion Criteria 2015. Collection method: curation. Allele origin: germline. Affected: yes. Not counted in ClinVar's aggregate classification.

Literature cited by the submitters: PubMed 10205261 (cited by Labcorp Genetics (formerly Invitae), Labcorp); PubMed 17304050 (cited by Labcorp Genetics (formerly Invitae), Labcorp); PubMed 33532864 (cited by Labcorp Genetics (formerly Invitae), Labcorp and Molecular Biology Laboratory, Fundació Puigvert).